The following is an entry in ClinVar:

NM_001848.3(COL6A1):c.228-7C>T

Gene: COL6A1 (collagen type VI alpha 1 chain; plus strand). Cytogenetic location: 21q22.3.
Variant type: single nucleotide variant.
Coding change: c.228-7C>T on transcript NM_001848.3 (MANE Select); 7 bases into the intron before coding-DNA position 228, C replaced by T.
Molecular consequence: intron variant.
Genome position (GRCh38, 1-based): chr21:45,984,262, C>T. VCF-style: chr21-45984262-C-T. GRCh37 (hg19) VCF-style: chr21-47404176-C-T.
Identifiers: ClinVar variation 896951 (VCV000896951.28), dbSNP rs2077724467, ClinGen allele CA1139666927.

ClinVar aggregate classification (germline): Uncertain significance. Review status: criteria provided, multiple submitters, no conflicts (2 of 4 stars). 2 submissions from 2 submitters: Uncertain significance (2). Last evaluated 2022-11-01.

Conditions:
Collagen 6-related myopathy. Identifiers: MedGen CN117976, MONDO:0100225.

Submissions (2):

CeGaT Center for Human Genetics Tuebingen
Classification: Uncertain significance. Last evaluated: 2022-11-01. Review status: criteria provided, single submitter. Criteria: CeGaT Center For Human Genetics Tuebingen Variant Classification Criteria Version 2. Collection method: clinical testing. Allele origin: germline. Affected: yes. Observed: 1 variant allele.
Comment: COL6A1: PM2, BP4

Illumina Laboratory Services, Illumina
Classification: Uncertain significance for Collagen VI-related myopathy. Last evaluated: 2018-02-02. Review status: criteria provided, single submitter. Criteria: ICSL Variant Classification Criteria 13 December 2019. Collection method: clinical testing. Allele origin: germline.